The following is an entry in ClinVar:

NM_001199198.3(TBC1D23):c.423A>G (p.Pro141=)

Gene: TBC1D23 (TBC1 domain family member 23; plus strand). Cytogenetic location: 3q12.1.
Variant type: single nucleotide variant.
Coding change: c.423A>G on transcript NM_001199198.3 (MANE Select); coding-DNA position 423, A replaced by G.
Protein change: p.Pro141=; no amino-acid change (proline 141 retained).
Molecular consequence: synonymous variant.
Genome position (GRCh38, 1-based): chr3:100,283,758, A>G. VCF-style: chr3-100283758-A-G. GRCh37 (hg19) VCF-style: chr3-100002602-A-G.
Other names: c.423A>G, p.Pro141= (NM_018309.5).
Identifiers: ClinVar variation 1336161 (VCV001336161.29), dbSNP rs62636641, ClinGen allele CA2514414.

ClinVar aggregate classification (germline): Benign/Likely benign. Review status: criteria provided, multiple submitters, no conflicts (2 of 4 stars). 3 submissions from 3 submitters: Benign (1); Likely benign (2). Last evaluated 2026-03-01.

Allele frequency attached by ClinVar (database versions not stated): 1000 Genomes Project 0.00300; 1000 Genomes Project 30x 0.00406; gnomAD 0.00465 and 0.00469; TOPMed 0.00491; ESP Exome Variant Server 0.00500.
gnomAD v4.1: 9,292 of 1,613,564 alleles (0.58%); highest among the groups gnomAD compares: South Asian, 0.66%; 36 homozygotes.

Submissions (3):

CeGaT Center for Human Genetics Tuebingen
Classification: Likely benign. Last evaluated: 2026-03-01. Review status: criteria provided, single submitter. Criteria: CeGaT Center For Human Genetics Tuebingen Variant Classification Criteria Version 2. Collection method: clinical testing. Allele origin: germline. Affected: yes. Observed: 11 variant alleles.
Comment: TBC1D23: BP4, BP7, BS2

Genetic Services Laboratory, University of Chicago
Classification: Benign. Last evaluated: 2018-11-01. Review status: criteria provided, single submitter. Criteria: ACMG Guidelines, 2015. Collection method: clinical testing. Allele origin: germline. Affected: no.

Breakthrough Genomics
Classification: Likely benign. Review status: criteria provided, single submitter. Criteria: ACMG Guidelines, 2015. Collection method: not provided. Allele origin: germline. Inheritance: Autosomal recessive inheritance. Affected: yes.